The following is an entry in ClinVar:

ClinVar aggregate classification (germline): Uncertain significance (1 of 4 stars; one submission).

Conditions:
Citrullinemia. Identifiers: Orphanet 187, MedGen C0175683, MONDO:0015991.

Allele frequency attached by ClinVar (database versions not stated): gnomAD 0.00002; TOPMed 0.00002; ESP Exome Variant Server 0.00015.
gnomAD v4.1: 3 of 1,613,852 alleles (0.00019%); highest among the groups gnomAD compares: African/African-American, 0.004%; no homozygotes.

Submission:

Labcorp Genetics (formerly Invitae), Labcorp
Classification: Uncertain significance for Citrullinemia. Last evaluated: 2022-06-20. Review status: criteria provided, single submitter. Criteria: Invitae Variant Classification Sherloc (09022015). Collection method: clinical testing. Allele origin: germline.
Comment: This sequence change replaces isoleucine, which is neutral and non-polar, with valine, which is neutral and non-polar, at codon 32 of the ASS1 protein (p.Ile32Val). This variant is not present in population databases (gnomAD no frequency). This variant has not been reported in the literature in individuals affected with ASS1-related conditions. Algorithms developed to predict the effect of missense changes on protein structure and function (SIFT, PolyPhen-2, Align-GVGD) all suggest that this variant is likely to be tolerated. In summary, the available evidence is currently insufficient to determine the role of this variant in disease. Therefore, it has been classified as a Variant of Uncertain Significance.

NM_054012.4(ASS1):c.94A>G (p.Ile32Val)

Gene: ASS1 (argininosuccinate synthase 1; plus strand). Cytogenetic location: 9q34.11.
Variant type: single nucleotide variant.
Coding change: c.94A>G on transcript NM_054012.4 (MANE Select); coding-DNA position 94, A replaced by G.
Protein change: p.Ile32Val; replaces isoleucine 32 with valine.
Molecular consequence: missense variant.
Genome position (GRCh38, 1-based): chr9:130,452,322, A>G. VCF-style: chr9-130452322-A-G. GRCh37 (hg19) VCF-style: chr9-133327709-A-G.
Other names: c.94A>G, p.Ile32Val (NM_000050.4); short protein forms I32V.
Identifiers: ClinVar variation 1522266 (VCV001522266.5), dbSNP rs142221856, ClinGen allele CA200603573.
Genomic context (GRCh38, chr9:130,452,322, plus strand): 5'-AGTGGCGGCCTGGACACCTCGTGCATCCTCGTGTGGCTGAAGGAACAAGGCTATGACGTC[A>G]TTGCCTATCTGGTGAGGGAGCGACCTGGGTGTCTGTCTTCCTGCGTGTCCTGCAACCTGT-3'
Protein context (NP_446464.1, residues 22-42): VWLKEQGYDV[Ile32Val]AYLANIGQKE